The following is an entry in ClinVar:

NM_006324.3(CFDP1):c.178G>A (p.Ala60Thr)

Gene: CFDP1 (craniofacial development protein 1; minus strand). Cytogenetic location: 16q23.1.
Variant type: single nucleotide variant.
Coding change: c.178G>A on transcript NM_006324.3 (MANE Select); coding-DNA position 178, G replaced by A.
Protein change: p.Ala60Thr; replaces alanine 60 with threonine.
Molecular consequence: missense variant.
Genome position (GRCh38, 1-based): chr16:75,414,582, C>T on the plus strand (G>A on the coding strand, the complement: CFDP1 is on the minus strand). VCF-style: chr16-75414582-C-T. GRCh37 (hg19) VCF-style: chr16-75448480-C-T.
Other names: short protein forms A60T.
Identifiers: ClinVar variation 3038964 (VCV003038964.2), dbSNP rs16963331, ClinGen allele CA8174934.

ClinVar aggregate classification (germline): Likely benign (0 of 4 stars; one submission).

Conditions:
CFDP1-related disorder. Also called: CFDP1-related condition.

Allele frequency attached by ClinVar (database versions not stated): 1000 Genomes Project 30x 0.00187; 1000 Genomes Project 0.00200; ExAC 0.00298; gnomAD 0.00371; gnomAD exomes 0.00372; ESP Exome Variant Server 0.00400; TOPMed 0.00407.
gnomAD v4.1: 5,967 of 1,603,784 alleles (0.37%); highest among the groups gnomAD compares: Admixed American, 0.5%; 23 homozygotes.

Submission:

PreventionGenetics, part of Exact Sciences
Classification: Likely benign for CFDP1-related condition. Last evaluated: 2019-05-23. Review status: no assertion criteria provided. Collection method: clinical testing. Allele origin: germline.
Comment: This variant is classified as likely benign based on ACMG/AMP sequence variant interpretation guidelines (Richards et al. 2015 PMID: 25741868, with internal and published modifications).